The following is an entry in ClinVar:

ClinVar aggregate classification (germline): Pathogenic (1 of 4 stars; one submission).

Conditions:
Neurofibromatosis, type 1 (NF1). Also called: VON RECKLINGHAUSEN DISEASE; NEUROFIBROMATOSIS, TYPE I, SOMATIC; Peripheral type neurofibromatosis; Neurofibromatosis, type I. Identifiers: Orphanet 636, MedGen C0027831, MONDO:0018975, OMIM 162200. Disease mechanism: loss of function.

Submission:

Myriad Genetics, Inc.
Classification: Pathogenic for Neurofibromatosis, type 1. Last evaluated: 2026-07-29. Review status: criteria provided, single submitter. Criteria: Myriad Autosomal Dominant, Autosomal Recessive and X-Linked Classification Criteria (2023). Collection method: clinical testing. Allele origin: unknown.
Comment: This variant is considered pathogenic. This variant creates a termination codon and is predicted to result in premature protein truncation.

NM_001042492.3(NF1):c.7887T>A (p.Tyr2629Ter)

Gene: NF1 (neurofibromin 1; plus strand). Cytogenetic location: 17q11.2.
Variant type: single nucleotide variant.
Coding change: c.7887T>A on transcript NM_001042492.3 (MANE Select); coding-DNA position 7887, T replaced by A.
Protein change: p.Tyr2629Ter; replaces tyrosine 2629 with a stop codon.
Molecular consequence: nonsense.
Genome position (GRCh38, 1-based): chr17:31,357,286, T>A. VCF-style: chr17-31357286-T-A. GRCh37 (hg19) VCF-style: chr17-29684304-T-A.
Other names: c.7824T>A, p.Tyr2608Ter (NM_000267.4); short protein forms Y2608*, Y2629*.
Identifiers: ClinVar variation 5042229 (VCV005042229.1).